The following is an entry in ClinVar:

ClinVar aggregate classification (germline): Uncertain significance. Review status: criteria provided, multiple submitters, no conflicts (2 of 4 stars). 2 submissions from 2 submitters: Uncertain significance (2). Last evaluated 2024-04-19.

Conditions:
Severe combined immunodeficiency due to DNA-PKcs deficiency. Also called: Immunodeficiency 26 with or without neurologic abnormalities; IMMUNODEFICIENCY 26 WITH NEUROLOGIC ABNORMALITIES. Identifiers: Orphanet 317425, MedGen C4014833, MONDO:0014423, OMIM 615966.

Allele frequency attached by ClinVar (database versions not stated): gnomAD exomes below 0.00001.
gnomAD v4.1: 1 of 1,532,258 alleles (0.000065%); highest among the groups gnomAD compares: Non-Finnish European, 0.000087%; no homozygotes.

Submissions (2):

Ambry Genetics
Classification: Uncertain significance. Last evaluated: 2024-04-19. Review status: criteria provided, single submitter. Criteria: Ambry Variant Classification Scheme 2023. Collection method: clinical testing. Allele origin: germline.
Comment: The p.R24H variant (also known as c.71G>A), located in coding exon 1 of the PRKDC gene, results from a G to A substitution at nucleotide position 71. The arginine at codon 24 is replaced by histidine, an amino acid with highly similar properties. This amino acid position is conserved. In addition, this alteration is predicted to be tolerated by in silico analysis. Based on the available evidence, the clinical significance of this variant remains unclear.

Labcorp Genetics (formerly Invitae), Labcorp
Classification: Uncertain significance for Severe combined immunodeficiency due to DNA-PKcs deficiency. Last evaluated: 2022-05-29. Review status: criteria provided, single submitter. Criteria: Invitae Variant Classification Sherloc (09022015). Collection method: clinical testing. Allele origin: germline.
Comment: In summary, the available evidence is currently insufficient to determine the role of this variant in disease. Therefore, it has been classified as a Variant of Uncertain Significance. Experimental studies and prediction algorithms are not available or were not evaluated, and the functional significance of this variant is currently unknown. This variant has not been reported in the literature in individuals affected with PRKDC-related conditions. This variant is not present in population databases (gnomAD no frequency). This sequence change replaces arginine, which is basic and polar, with histidine, which is basic and polar, at codon 24 of the PRKDC protein (p.Arg24His).

NM_006904.7(PRKDC):c.71G>A (p.Arg24His)

Genes: PRKDC (protein kinase, DNA-activated, catalytic subunit; minus strand), LOC129929030 (ATAC-STARR-seq lymphoblastoid silent region 19177; plus strand). Cytogenetic location: 8q11.21.
Variant type: single nucleotide variant.
Coding change: c.71G>A on transcript NM_006904.7 (MANE Select); coding-DNA position 71, G replaced by A.
Protein change: p.Arg24His; replaces arginine 24 with histidine.
Molecular consequence: missense variant.
Genome position (GRCh38, 1-based): chr8:47,960,056, C>T on the plus strand (G>A on the coding strand, the complement: PRKDC is on the minus strand). VCF-style: chr8-47960056-C-T. GRCh37 (hg19) VCF-style: chr8-48872616-C-T.
Other names: c.71G>A, p.Arg24His (NM_001081640.2); short protein forms R24H.
Identifiers: ClinVar variation 2081797 (VCV002081797.5), dbSNP rs2551882739, ClinGen allele CA371142909.